The following is an entry in ClinVar:

NM_001267550.2(TTN):c.1536+1G>T

Gene: TTN (titin; minus strand). Cytogenetic location: 2q31.2.
Variant type: single nucleotide variant.
Coding change: c.1536+1G>T on transcript NM_001267550.2 (MANE Select); the canonical splice donor site of the intron after coding-DNA position 1536, G replaced by T.
Molecular consequence: splice donor variant.
Genome position (GRCh38, 1-based): chr2:178,793,403, C>A on the plus strand (G>T on the coding strand, the complement: TTN is on the minus strand). VCF-style: chr2-178793403-C-A. GRCh37 (hg19) VCF-style: chr2-179658130-C-A.
Other names: c.1536+1G>T (NM_003319.4, NM_133437.4, NM_133432.3 and 3 more transcripts).
Identifiers: ClinVar variation 2943861 (VCV002943861.3), dbSNP rs2093614668, ClinGen allele CA349512386.

ClinVar aggregate classification (germline): Likely pathogenic (1 of 4 stars; one submission).

Conditions:
Dilated cardiomyopathy 1G (CMD1G). Identifiers: Orphanet 154, MedGen C1858763, MONDO:0011400, OMIM 604145.
Autosomal recessive limb-girdle muscular dystrophy type 2J (LGMDR10). Also called: MUSCULAR DYSTROPHY, LIMB-GIRDLE, AUTOSOMAL RECESSIVE 10; Limb-girdle muscular dystrophy, type 2J. Identifiers: Orphanet 140922, MedGen C1837342, MONDO:0012127, OMIM 608807.

Submission:

Labcorp Genetics (formerly Invitae), Labcorp
Classification: Likely pathogenic for Dilated cardiomyopathy 1G; Autosomal recessive limb-girdle muscular dystrophy type 2J. Last evaluated: 2024-10-18. Review status: criteria provided, single submitter. Criteria: Invitae Variant Classification Sherloc (09022015). Collection method: clinical testing. Allele origin: germline.
Comment: This sequence change affects a donor splice site in intron 9 of the TTN gene. It is expected to disrupt RNA splicing and likely results in a truncated or disrupted TTN protein. This variant is not present in population databases (gnomAD no frequency). This variant has not been reported in the literature in individuals affected with TTN-related conditions. Algorithms developed to predict the effect of sequence changes on RNA splicing suggest that this variant may disrupt the consensus splice site. This variant is located in the Z band of TTN (PMID: 25589632). Truncating variants in this region have been reported in individuals affected with autosomal recessive centronuclear myopathy (PMID: 33449170, internal data). Truncating variants in this region have also been identified in individuals affected with autosomal dominant dilated cardiomyopathy and/or cardio-related conditions (PMID: 27869827, 32964742, internal data). In summary, the currently available evidence indicates that the variant is pathogenic, but additional data are needed to prove that conclusively. Therefore, this variant has been classified as Likely Pathogenic.

Literature cited by the submitters: PubMed 25589632; PubMed 33449170; PubMed 27869827; PubMed 32964742.